The following is an entry in ClinVar:

NM_001429.4(EP300):c.2241G>A (p.Pro747=)

Gene: EP300 (EP300 lysine acetyltransferase; plus strand). Cytogenetic location: 22q13.2.
Variant type: single nucleotide variant.
Coding change: c.2241G>A on transcript NM_001429.4 (MANE Select); coding-DNA position 2241, G replaced by A.
Protein change: p.Pro747=; no amino-acid change (proline 747 retained).
Molecular consequence: synonymous variant.
Genome position (GRCh38, 1-based): chr22:41,147,946, G>A. VCF-style: chr22-41147946-G-A. GRCh37 (hg19) VCF-style: chr22-41543950-G-A.
Other names: NC_000022.10:g.41543950G>A; c.2241G>A (NM_001429.3); c.2163G>A, p.Pro721= (NM_001362843.2).
Identifiers: ClinVar variation 1326929 (VCV001326929.9), dbSNP rs759604286, ClinGen allele CA10252784.

ClinVar aggregate classification (germline): Uncertain significance. Review status: criteria provided, single submitter (1 of 4 stars). 2 submissions from 2 submitters: Uncertain significance (1). 1 of the submissions does not count toward it. Last evaluated 2026-06-10.

Conditions:
Rubinstein-Taybi syndrome due to EP300 haploinsufficiency. Also called: EP300-Related Rubinstein-Taybi Syndrome; RUBINSTEIN-TAYBI SYNDROME 2. Identifiers: Orphanet 353284, Orphanet 783, MedGen C3150941, MONDO:0013364, OMIM 613684.
EP300-related disorder. Also called: EP300-related condition; EP300-related disorders.

Allele frequency attached by ClinVar (database versions not stated): gnomAD 0.00002 and 0.00003; ExAC 0.00003.
gnomAD v4.1: 41 of 1,597,484 alleles (0.0026%); highest among the groups gnomAD compares: Non-Finnish European, 0.0029%; no homozygotes.

Submissions (4):

PreventionGenetics, part of Exact Sciences
Classification: Uncertain significance for EP300-related condition. Last evaluated: 2026-06-10. Review status: criteria provided, single submitter. Criteria: ACMG Guidelines, 2015. Collection method: clinical testing. Allele origin: germline.
Comment: The EP300 c.2241G>A variant is not predicted to result in an amino acid change (p.=). This variant is predicted to alter splicing based on available splicing prediction programs (SpliceAI, Jaganathan et al. 2019. PubMed ID: 30661751). However, the use of computer prediction programs is not equivalent to functional evidence. To our knowledge, this variant has not been reported in the literature. This variant is reported in 0.0040% of alleles in individuals of African descent in gnomAD. At this time, the clinical significance of this variant is uncertain due to the absence of conclusive functional and genetic evidence.

Clinical Genetics Laboratory, University Hospital Schleswig-Holstein
Classification: Uncertain significance for Rubinstein-Taybi syndrome due to EP300 haploinsufficiency. Last evaluated: 2021-10-29. Review status: no assertion criteria provided. Collection method: clinical testing. Allele origin: germline. Affected: yes. Not counted in ClinVar's aggregate classification.

Dr. Peter K. Rogan Lab, Western University
No classification provided (evidence only). Condition: Gastric cancer. Review status: no classification provided. Collection method: in vitro. Allele origin: not applicable. Functional consequence: retained intron. Not counted in ClinVar's aggregate classification.

MutSpliceDB: a database of splice sites variants effects on splicing, NIH
No classification provided (evidence only). Review status: no classification provided. Collection method: in vivo. Allele origin: not applicable. Functional consequence: retained intron. Not counted in ClinVar's aggregate classification.